The following is an entry in ClinVar:

NM_152743.4(BRAT1):c.1223C>T (p.Ala408Val)

Gene: BRAT1 (BRCA1 associated ATM activator 1; minus strand). Cytogenetic location: 7p22.3.
Variant type: single nucleotide variant.
Coding change: c.1223C>T on transcript NM_152743.4 (MANE Select); coding-DNA position 1223, C replaced by T.
Protein change: p.Ala408Val; replaces alanine 408 with valine.
Molecular consequence: missense variant. On other transcripts: non-coding transcript variant (1).
Genome position (GRCh38, 1-based): chr7:2,541,396, G>A on the plus strand (C>T on the coding strand, the complement: BRAT1 is on the minus strand). VCF-style: chr7-2541396-G-A. GRCh37 (hg19) VCF-style: chr7-2581030-G-A.
Other names: c.1223C>T, p.Ala408Val (NM_001350626.2); c.698C>T, p.Ala233Val (NM_001350627.2); c.1223C>T (NM_152743.3); short protein forms A233V, A408V.
Identifiers: ClinVar variation 1493650 (VCV001493650.5), dbSNP rs576753171, ClinGen allele CA4127876.

ClinVar aggregate classification (germline): Uncertain significance. Review status: criteria provided, multiple submitters, no conflicts (2 of 4 stars). 3 submissions from 3 submitters: Uncertain significance (3). Last evaluated 2025-11-05.

Conditions:
Neonatal-onset encephalopathy with rigidity and seizures. Also called: Lethal neonatal spasticity-epileptic encephalopathy syndrome. Identifiers: Orphanet 435845, MedGen C3281029, MONDO:0013784, OMIM 614498.
Inborn genetic diseases. Identifiers: MedGen C0950123, MeSH D030342.

Allele frequency attached by ClinVar (database versions not stated): gnomAD 0.00001 and 0.00004; TOPMed 0.00001; gnomAD exomes 0.00003 and 0.00004; ExAC 0.00006; 1000 Genomes Project 0.00040; 1000 Genomes Project 30x 0.00047.
gnomAD v4.1: 54 of 1,603,872 alleles (0.0034%); highest among the groups gnomAD compares: South Asian, 0.051%; no homozygotes.

Submissions (3):

Ambry Genetics
Classification: Uncertain significance for Inborn genetic diseases. Last evaluated: 2025-11-05. Review status: criteria provided, single submitter. Criteria: Ambry Variant Classification Scheme 2023. Collection method: clinical testing. Allele origin: germline.

Labcorp Genetics (formerly Invitae), Labcorp
Classification: Uncertain significance for Neonatal-onset encephalopathy with rigidity and seizures. Last evaluated: 2022-07-26. Review status: criteria provided, single submitter. Criteria: Invitae Variant Classification Sherloc (09022015). Collection method: clinical testing. Allele origin: germline.
Comment: This sequence change replaces alanine, which is neutral and non-polar, with valine, which is neutral and non-polar, at codon 408 of the BRAT1 protein (p.Ala408Val). The frequency data for this variant in the population databases is considered unreliable, as metrics indicate poor data quality at this position in the gnomAD database. This variant has not been reported in the literature in individuals affected with BRAT1-related conditions. ClinVar contains an entry for this variant (Variation ID: 1493650). Algorithms developed to predict the effect of missense changes on protein structure and function output the following: SIFT: "Deleterious"; PolyPhen-2: "Benign"; Align-GVGD: "Class C0". The valine amino acid residue is found in multiple mammalian species, which suggests that this missense change does not adversely affect protein function. In summary, the available evidence is currently insufficient to determine the role of this variant in disease. Therefore, it has been classified as a Variant of Uncertain Significance.

Blueprint Genetics
Classification: Uncertain significance. Last evaluated: 2021-02-01. Review status: criteria provided, single submitter. Criteria: ACMG Guidelines, 2015. Collection method: clinical testing. Allele origin: germline.